The following is an entry in ClinVar:

NM_017534.6(MYH2):c.130A>G (p.Lys44Glu)

Genes: MYHAS (myosin heavy chain gene cluster antisense RNA; plus strand), MYH2 (myosin heavy chain 2; minus strand). Cytogenetic location: 17p13.1.
Variant type: single nucleotide variant.
Coding change: c.130A>G on transcript NM_017534.6 (MANE Select); coding-DNA position 130, A replaced by G.
Protein change: p.Lys44Glu; replaces lysine 44 with glutamic acid.
Molecular consequence: missense variant.
Genome position (GRCh38, 1-based): chr17:10,547,791, T>C on the plus strand (A>G on the coding strand, the complement: MYH2 is on the minus strand). VCF-style: chr17-10547791-T-C. GRCh37 (hg19) VCF-style: chr17-10451108-T-C.
Other names: c.130A>G, p.Lys44Glu (NM_001100112.2); short protein forms K44E.
Identifiers: ClinVar variation 858003 (VCV000858003.7), dbSNP rs769767111, ClinGen allele CA8391727.

ClinVar aggregate classification (germline): Uncertain significance (1 of 4 stars; one submission).

Conditions:
Myopathy, proximal, and ophthalmoplegia (CMYO6). Also called: CONGENITAL MYOPATHY 6 WITH OPHTHALMOPLEGIA; MYOPATHY WITH CONGENITAL JOINT CONTRACTURES, OPHTHALMOPLEGIA, AND RIMMED VACUOLES; INCLUSION BODY MYOPATHY 3, AUTOSOMAL DOMINANT. Identifiers: Orphanet 363677, Orphanet 79091, MedGen C1854106, MONDO:0011577, OMIM 605637.

Allele frequency attached by ClinVar (database versions not stated): gnomAD 0.00001; gnomAD exomes 0.00001 and 0.00003; TOPMed 0.00001; ExAC 0.00002.
gnomAD v4.1: 12 of 1,614,116 alleles (0.00074%); highest among the groups gnomAD compares: East Asian, 0.02%; no homozygotes.

Submission:

Labcorp Genetics (formerly Invitae), Labcorp
Classification: Uncertain significance for Myopathy, proximal, and ophthalmoplegia. Last evaluated: 2026-01-18. Review status: criteria provided, single submitter. Criteria: Invitae Variant Classification Sherloc (09022015). Collection method: clinical testing. Allele origin: germline.
Comment: This sequence change replaces lysine, which is basic and polar, with glutamic acid, which is acidic and polar, at codon 44 of the MYH2 protein (p.Lys44Glu). This variant is present in population databases (rs769767111, gnomAD 0.04%). This variant has not been reported in the literature in individuals affected with MYH2-related conditions. ClinVar contains an entry for this variant (Variation ID: 858003). Invitae Evidence Modeling of protein sequence and biophysical properties (such as structural, functional, and spatial information, amino acid conservation, physicochemical variation, residue mobility, and thermodynamic stability) indicates that this missense variant is not expected to disrupt MYH2 protein function with a negative predictive value of 80%. In summary, the available evidence is currently insufficient to determine the role of this variant in disease. Therefore, it has been classified as a Variant of Uncertain Significance.